The following is an entry in ClinVar:

ClinVar aggregate classification (germline): Benign (1 of 4 stars; one submission).

Submission:

CeGaT Center for Human Genetics Tuebingen
Classification: Benign. Last evaluated: 2025-01-01. Review status: criteria provided, single submitter. Criteria: CeGaT Center For Human Genetics Tuebingen Variant Classification Criteria Version 2. Collection method: clinical testing. Allele origin: germline. Affected: yes. Observed: 1 variant allele.
Comment: EIF5B: BP4, BP7, BS1, BS2

NM_015904.4(EIF5B):c.150G>A (p.Lys50=)

Gene: EIF5B (eukaryotic translation initiation factor 5B; plus strand). Cytogenetic location: 2q11.2.
Variant type: single nucleotide variant.
Coding change: c.150G>A on transcript NM_015904.4 (MANE Select); coding-DNA position 150, G replaced by A.
Protein change: p.Lys50=; no amino-acid change (lysine 50 retained).
Molecular consequence: synonymous variant.
Genome position (GRCh38, 1-based): chr2:99,360,350, G>A. VCF-style: chr2-99360350-G-A. GRCh37 (hg19) VCF-style: chr2-99976813-G-A.
Identifiers: ClinVar variation 3770420 (VCV003770420.13).